The following is an entry in ClinVar:

NM_016507.4(CDK12):c.1925T>C (p.Met642Thr)

Gene: CDK12 (cyclin dependent kinase 12; plus strand). Cytogenetic location: 17q12.
Variant type: single nucleotide variant.
Coding change: c.1925T>C on transcript NM_016507.4 (MANE Select); coding-DNA position 1925, T replaced by C.
Protein change: p.Met642Thr; replaces methionine 642 with threonine.
Molecular consequence: missense variant.
Genome position (GRCh38, 1-based): chr17:39,471,757, T>C. VCF-style: chr17-39471757-T-C. GRCh37 (hg19) VCF-style: chr17-37628010-T-C.
Other names: c.1925T>C, p.Met642Thr (NM_015083.4); short protein forms M642T.
Identifiers: ClinVar variation 3999299 (VCV003999299.1).

ClinVar aggregate classification (germline): Uncertain significance (1 of 4 stars; one submission).

Submission:

Ambry Genetics
Classification: Uncertain significance. Last evaluated: 2025-03-31. Review status: criteria provided, single submitter. Criteria: Ambry Variant Classification Scheme 2023. Collection method: clinical testing. Allele origin: germline.
Comment: The p.M642T variant (also known as c.1925T>C), located in coding exon 2 of the CDK12 gene, results from a T to C substitution at nucleotide position 1925. The methionine at codon 642 is replaced by threonine, an amino acid with similar properties. This amino acid position is conserved. In addition, this alteration is predicted to be tolerated by in silico analysis. Based on the available evidence, the clinical significance of this variant remains unclear.